The following is an entry in ClinVar:

NM_004415.4(DSP):c.194A>T (p.His65Leu)

Gene: DSP (desmoplakin; plus strand). Cytogenetic location: 6p24.3.
Variant type: single nucleotide variant.
Coding change: c.194A>T on transcript NM_004415.4 (MANE Select); coding-DNA position 194, A replaced by T.
Protein change: p.His65Leu; replaces histidine 65 with leucine.
Molecular consequence: missense variant.
Genome position (GRCh38, 1-based): chr6:7,555,741, A>T. VCF-style: chr6-7555741-A-T. GRCh37 (hg19) VCF-style: chr6-7555974-A-T.
Other names: c.194A>T (NM_004415.3, LRG_423t1); c.194A>T, p.His65Leu (NM_001008844.3, NM_001319034.2); short protein forms H65L.
Identifiers: ClinVar variation 534288 (VCV000534288.11), dbSNP rs771190708, ClinGen allele CA030880.

ClinVar aggregate classification (germline): Uncertain significance. Review status: criteria provided, multiple submitters, no conflicts (2 of 4 stars). 4 submissions from 4 submitters: Uncertain significance (4). Last evaluated 2025-09-16.

Conditions:
Arrhythmogenic cardiomyopathy with wooly hair and keratoderma. Also called: Dilated cardiomyopathy with woolly hair and keratoderma; Arrhythmogenic cardiomyopathy with woolly hair and keratoderma; Carvajal syndrome; PALMOPLANTAR KERATODERMA WITH LEFT VENTRICULAR CARDIOMYOPATHY AND WOOLLY HAIR. Identifiers: Orphanet 65282, MedGen C1854063, MONDO:0011581, OMIM 605676.
Arrhythmogenic right ventricular dysplasia 8 (ARVD8). Also called: Arrhythmogenic Right Ventricular Dysplasia/Cardiomyopathy 8; ARRHYTHMOGENIC RIGHT VENTRICULAR DYSPLASIA, FAMILIAL, 8; ARRHYTHMOGENIC RIGHT VENTRICULAR CARDIOMYOPATHY 8. Identifiers: MedGen C1843896, MONDO:0011831, OMIM 607450.
DSP-related disorder. Also called: DSP-related condition; DSP-related disorders.
Cardiomyopathy (CMYO). Also called: Cardiomyopathies. Identifiers: Orphanet 167848, MedGen C0878544, MONDO:0004994, HP:0001638. Inheritance: Various modes of inheritance.

Allele frequency attached by ClinVar (database versions not stated): ExAC 0.00001.
gnomAD v4.1: 2 of 1,614,244 alleles (0.00012%); highest among the groups gnomAD compares: Non-Finnish European, 0.00017%; no homozygotes.

Submissions (4):

PreventionGenetics, part of Exact Sciences
Classification: Uncertain significance for DSP-related condition. Last evaluated: 2025-09-16. Review status: criteria provided, single submitter. Criteria: ACMG Guidelines, 2015. Collection method: clinical testing. Allele origin: germline.
Comment: The DSP c.194A>T variant is predicted to result in the amino acid substitution p.His65Leu. To our knowledge, this variant has not been reported in the literature. This variant is reported in 0.0018% of alleles in individuals of European (Non-Finnish) descent in gnomAD. At this time, the clinical significance of this variant is uncertain due to the absence of conclusive functional and genetic evidence.

Labcorp Genetics (formerly Invitae), Labcorp
Classification: Uncertain significance for Arrhythmogenic cardiomyopathy with wooly hair and keratoderma; Arrhythmogenic right ventricular dysplasia 8. Last evaluated: 2025-06-14. Review status: criteria provided, single submitter. Criteria: Invitae Variant Classification Sherloc (09022015). Collection method: clinical testing. Allele origin: germline.
Comment: This sequence change replaces histidine, which is basic and polar, with leucine, which is neutral and non-polar, at codon 65 of the DSP protein (p.His65Leu). This variant is present in population databases (rs771190708, gnomAD 0.002%). This missense change has been observed in individual(s) with clinical features of DSP-related conditions (internal data). ClinVar contains an entry for this variant (Variation ID: 534288). An algorithm developed to predict the effect of missense changes on protein structure and function outputs the following: PolyPhen-2: "Benign". The leucine amino acid residue is found in multiple mammalian species, which suggests that this missense change does not adversely affect protein function. In summary, the available evidence is currently insufficient to determine the role of this variant in disease. Therefore, it has been classified as a Variant of Uncertain Significance.

Color Diagnostics, LLC DBA Color Health
Classification: Uncertain significance for Cardiomyopathy. Last evaluated: 2025-05-13. Review status: criteria provided, single submitter. Criteria: ACMG Guidelines, 2015. Collection method: clinical testing. Allele origin: germline.
Comment: This missense variant replaces histidine with leucine at codon 65 of the DSP protein. Computational prediction suggests that this variant may not impact protein structure and function. To our knowledge, functional studies have not been reported for this variant. This variant has not been reported in individuals affected with DSP-related disorders in the literature. This variant has been identified in 2/251386 chromosomes in the general population by the Genome Aggregation Database (gnomAD). The available evidence is insufficient to determine the role of this variant in disease conclusively. Therefore, this variant is classified as a Variant of Uncertain Significance.

All of Us Research Program, National Institutes of Health
Classification: Uncertain significance for Arrhythmogenic cardiomyopathy with wooly hair and keratoderma. Last evaluated: 2023-12-18. Review status: criteria provided, single submitter. Criteria: ACMG Guidelines, 2015. Collection method: clinical testing. Allele origin: germline. Inheritance: Autosomal dominant inheritance. Observed: 1 variant allele, 1 heterozygote.
Comment: This missense variant replaces histidine with leucine at codon 65 of the DSP protein. Computational prediction suggests that this variant may not impact protein structure and function (internally defined REVEL score threshold <= 0.5, PMID: 27666373). To our knowledge, functional studies have not been reported for this variant. This variant has not been reported in individuals affected with DSP-related disorders in the literature. This variant has been identified in 2/251386 chromosomes in the general population by the Genome Aggregation Database (gnomAD). The available evidence is insufficient to determine the role of this variant in disease conclusively. Therefore, this variant is classified as a Variant of Uncertain Significance.

This study involves interpretation of variants in research participants for the purpose of population health screening. Participant phenotype was not available at the time of variant classification. Additional details can be found in publication PMID: 35346344, PMCID: PMC8962531